The following is an entry in ClinVar:

NM_182476.3(COQ6):c.1297C>T (p.Leu433Phe)

Genes: COQ6 (coenzyme Q6, monooxygenase; plus strand), ENTPD5 (ectonucleoside triphosphate diphosphohydrolase 5; minus strand). Cytogenetic location: 14q24.3.
Variant type: single nucleotide variant.
Coding change: c.1297C>T on transcript NM_182476.3 (MANE Select); coding-DNA position 1297, C replaced by T.
Protein change: p.Leu433Phe; replaces leucine 433 with phenylalanine.
Molecular consequence: missense variant. On other transcripts: intron variant (7).
Genome position (GRCh38, 1-based): chr14:73,961,823, C>T. VCF-style: chr14-73961823-C-T. GRCh37 (hg19) VCF-style: chr14-74428526-C-T.
Other names: c.1189C>T, p.Leu397Phe (NM_001425256.1); c.1132C>T, p.Leu378Phe (NM_001425257.1); c.1114C>T, p.Leu372Phe (NM_001425258.1); c.1072C>T, p.Leu358Phe (NM_001425259.1, NM_001425260.1, NM_001425261.1); c.1042C>T, p.Leu348Phe (NM_001425262.1); c.970C>T, p.Leu324Phe (NM_001425263.1); c.757C>T, p.Leu253Phe (NM_001425264.1, NM_001425265.1); c.1222C>T, p.Leu408Phe (NM_182480.3); and 5 more; short protein forms L408F, L433F.
Identifiers: ClinVar variation 2965321 (VCV002965321.3), dbSNP rs2503125882, ClinGen allele CA390379467.

ClinVar aggregate classification (germline): Uncertain significance (1 of 4 stars; one submission).

Submission:

Labcorp Genetics (formerly Invitae), Labcorp
Classification: Uncertain significance. Last evaluated: 2023-12-07. Review status: criteria provided, single submitter. Criteria: Invitae Variant Classification Sherloc (09022015). Collection method: clinical testing. Allele origin: germline.
Comment: This sequence change replaces leucine, which is neutral and non-polar, with phenylalanine, which is neutral and non-polar, at codon 433 of the COQ6 protein (p.Leu433Phe). This variant is not present in population databases (gnomAD no frequency). This variant has not been reported in the literature in individuals affected with COQ6-related conditions. Advanced modeling of protein sequence and biophysical properties (such as structural, functional, and spatial information, amino acid conservation, physicochemical variation, residue mobility, and thermodynamic stability) performed at Invitae indicates that this missense variant is not expected to disrupt COQ6 protein function with a negative predictive value of 80%. Algorithms developed to predict the effect of sequence changes on RNA splicing suggest that this variant may create or strengthen a splice site. In summary, the available evidence is currently insufficient to determine the role of this variant in disease. Therefore, it has been classified as a Variant of Uncertain Significance.